The following is an entry in ClinVar:

ClinVar aggregate classification (germline): Likely benign. Review status: criteria provided, multiple submitters, no conflicts (2 of 4 stars). 5 submissions from 5 submitters: Likely benign (5). Last evaluated 2026-06-10.

Conditions:
CLN3-related disorder. Also called: CLN3-related condition. Identifiers: MedGen CN382248.
Inborn genetic diseases. Identifiers: MedGen C0950123, MeSH D030342.
Neuronal ceroid lipofuscinosis. Also called: Neuronal Ceroid Lipofuscinoses. Identifiers: Orphanet 216, Orphanet 79263, MedGen C0027877, MONDO:0016295. Disease mechanism: loss of function.

Submissions (5):

PreventionGenetics, part of Exact Sciences
Classification: Likely benign for CLN3-related condition. Last evaluated: 2026-06-10. Review status: criteria provided, single submitter. Criteria: ACMG Guidelines, 2015. Collection method: clinical testing. Allele origin: germline.
Comment: This variant is classified as likely benign based on ACMG/AMP sequence variant interpretation guidelines (Richards et al. 2015 PMID: 25741868, with internal and published modifications).

Labcorp Genetics (formerly Invitae), Labcorp
Classification: Likely benign for Neuronal ceroid lipofuscinosis. Last evaluated: 2026-01-26. Review status: criteria provided, single submitter. Criteria: Invitae Variant Classification Sherloc (09022015). Collection method: clinical testing. Allele origin: germline.

Blueprint Genetics
Classification: Likely benign. Last evaluated: 2023-08-08. Review status: criteria provided, single submitter. Criteria: ACMG Guidelines, 2015. Collection method: clinical testing. Allele origin: germline.

GeneDx
Classification: Likely benign. Last evaluated: 2018-03-15. Review status: criteria provided, single submitter. Criteria: GeneDx Variant Classification (06012015). Collection method: clinical testing. Allele origin: germline. Affected: yes.
Comment: This variant is considered likely benign or benign based on one or more of the following criteria: it is a conservative change, it occurs at a poorly conserved position in the protein, it is predicted to be benign by multiple in silico algorithms, and/or has population frequency not consistent with disease.

Ambry Genetics
Classification: Likely benign for Inborn genetic diseases. Last evaluated: 2018-01-18. Review status: criteria provided, single submitter. Criteria: Ambry Variant Classification Scheme 2023. Collection method: clinical testing. Allele origin: germline.

NM_001042432.2(CLN3):c.375-19_375-4dup

Gene: CLN3 (CLN3 lysosomal/endosomal transmembrane protein, battenin; minus strand). Cytogenetic location: 16p12.1.
Variant type: Duplication.
Coding change: c.375-19_375-4dup on transcript NM_001042432.2 (MANE Select); 19 bases into the intron before coding-DNA position 375 through 4 bases into the intron before coding-DNA position 375, 16 bases duplicated (TCCCTTCTCACCCCCT).
Molecular consequence: intron variant.
Genome position (GRCh38, 1-based): chr16:28,487,545-28,487,560, AGGGGGTGAGAAGGGA duplicated on the plus strand (TCCCTTCTCACCCCCT on the coding strand, the reverse complement: CLN3 is on the minus strand); duplicating any 16 consecutive bases within chr16:28,487,545-28,487,564 gives the same sequence; the c. name uses the placement nearest the transcript's 3' end. VCF-style (leftmost placement, unchanged base first): chr16-28487544-G-GAGGGGGTGAGAAGGGA. GRCh37 (hg19) VCF-style: chr16-28498865-G-GAGGGGGTGAGAAGGGA.
Other names: c.141-19_141-4dup (NM_001286109.2); c.303-19_303-4dup (NM_001286104.2); c.75-19_75-4dup (NM_001286105.2); c.213-19_213-4dup (NM_001286110.2); c.375-19_375-4dup (NM_000086.2); c.375-19_375-4dupTCCCTTCTCACCCCCT (NM_001042432.1).
Identifiers: ClinVar variation 457952 (VCV000457952.15), dbSNP rs755313503, ClinGen allele CA7980941.